The following is an entry in ClinVar:

ClinVar aggregate classification (germline): Uncertain significance (1 of 4 stars; one submission).

Conditions:
PSEN2-related disorder. Also called: PSEN2-related condition.

gnomAD v4.1: 4 of 1,614,124 alleles (0.00025%); highest among the groups gnomAD compares: Non-Finnish European, 0.00017%; no homozygotes.

Submission:

PreventionGenetics, part of Exact Sciences
Classification: Uncertain significance for PSEN2-related condition. Last evaluated: 2025-11-30. Review status: criteria provided, single submitter. Criteria: ACMG Guidelines, 2015. Collection method: clinical testing. Allele origin: germline.
Comment: The PSEN2 c.184C>G variant is predicted to result in the amino acid substitution p.Arg62Gly. This variant was reported in an Alzheimer disease patient cohort study (Wojtas et al. 2012. PubMed ID: 23383383). This variant has not been reported in a large population database (gnomAD), indicating this variant is rare. At this time, the clinical significance of this variant is uncertain due to the absence of conclusive functional and genetic evidence.

NM_000447.3(PSEN2):c.184C>G (p.Arg62Gly)

Gene: PSEN2 (presenilin 2; plus strand). Cytogenetic location: 1q42.13.
Variant type: single nucleotide variant.
Coding change: c.184C>G on transcript NM_000447.3 (MANE Select); coding-DNA position 184, C replaced by G.
Protein change: p.Arg62Gly; replaces arginine 62 with glycine.
Molecular consequence: missense variant.
Genome position (GRCh38, 1-based): chr1:226,883,747, C>G. VCF-style: chr1-226883747-C-G. GRCh37 (hg19) VCF-style: chr1-227071448-C-G.
Other names: c.184C>G, p.Arg62Gly (NM_001437537.1, NM_012486.3); short protein forms R62G.
Identifiers: ClinVar variation 4986655 (VCV004986655.1).
Genomic context (GRCh38, chr1:226,883,747, plus strand): 5'-CGATGTGGTTTCCCACAGAGAAGCCAGGAGAACGAGGAGGACGGTGAGGAGGACCCTGAC[C>G]GCTATGTCTGTAGTGGGGTTCCCGGGCGGCCGCCAGGCCTGGAGGAAGAGCTGACCCTCA-3'
Protein context (NP_000438.2, residues 52-72): NEEDGEEDPD[Arg62Gly]YVCSGVPGRP